The following is an entry in ClinVar:

ClinVar aggregate classification (germline): Conflicting classifications of pathogenicity. Review status: criteria provided, conflicting classifications (1 of 4 stars). 2 submissions from 2 submitters: Uncertain significance (1); Likely benign (1). Last evaluated 2026-05-07.

Conditions:
RPGR-related disorder. Also called: RPGR-related condition.
Primary ciliary dyskinesia. Also called: Ciliary dyskinesia. Identifiers: Orphanet 244, MedGen C0008780, MONDO:0016575, HP:0012265.

Submissions (2):

PreventionGenetics, part of Exact Sciences
Classification: Likely benign for RPGR-related condition. Last evaluated: 2026-05-07. Review status: criteria provided, single submitter. Criteria: ACMG Guidelines, 2015. Collection method: clinical testing. Allele origin: germline.
Comment: This variant is classified as likely benign based on ACMG/AMP sequence variant interpretation guidelines (Richards et al. 2015 PMID: 25741868, with internal and published modifications).

Labcorp Genetics (formerly Invitae), Labcorp
Classification: Uncertain significance for Primary ciliary dyskinesia. Last evaluated: 2024-10-11. Review status: criteria provided, single submitter. Criteria: Invitae Variant Classification Sherloc (09022015). Collection method: clinical testing. Allele origin: germline.
Comment: This variant, c.2447_2461dup, results in the insertion of 5 amino acid(s) of the RPGR (ORF15) protein (p.Gly816_Glu820dup), but otherwise preserves the integrity of the reading frame. This variant is not present in population databases (gnomAD no frequency). This variant has not been reported in the literature in individuals affected with RPGR (ORF15)-related conditions. Experimental studies and prediction algorithms are not available or were not evaluated, and the functional significance of this variant is currently unknown. In summary, the available evidence is currently insufficient to determine the role of this variant in disease. Therefore, it has been classified as a Variant of Uncertain Significance.

NM_001034853.2(RPGR):c.2432GAGGGGAAGTAGAGG[3] (p.Glu820_Glu821insGlyGlyGluValGlu)

Gene: RPGR (retinitis pigmentosa GTPase regulator; minus strand). Cytogenetic location: Xp11.4.
Variant type: Microsatellite.
Coding change: c.2432GAGGGGAAGTAGAGG[3] on transcript NM_001034853.2 (MANE Select); three copies in a row of the 15-base unit GAGGGGAAGTAGAGG starting at c.2432; the reference has two copies in a row; one copy, 15 bases duplicated.
Protein change: p.Glu820_Glu821insGlyGlyGluValGlu.
Molecular consequence: inframe insertion. On other transcripts: intron variant (8).
Genome position (GRCh38, 1-based): chrX:38,286,538-38,286,552, CCTCTACTTCCCCTC duplicated on the plus strand (GAGGGGAAGTAGAGG on the coding strand, the reverse complement: RPGR is on the minus strand); duplicating any 15 consecutive bases within chrX:38,286,538-38,286,571 gives the same sequence; the position shown is the placement nearest the transcript's 3' end. VCF-style (leftmost placement, unchanged base first): chrX-38286537-T-TCCTCTACTTCCCCTC. GRCh37 (hg19) VCF-style: chrX-38145790-T-TCCTCTACTTCCCCTC.
Other names: c.2447_2461dup15 (NM_001034853.1); c.1569+4392GAGGGGAAGTAGAGG[3] (NM_001367249.1, NM_001367250.1); c.1902+527GAGGGGAAGTAGAGG[3] (NM_001367245.1); c.1386+4392GAGGGGAAGTAGAGG[3] (NM_001367251.1); c.1719+527GAGGGGAAGTAGAGG[3] (NM_001367246.1); c.1572+4392GAGGGGAAGTAGAGG[3] (NM_001367247.1); c.1905+527GAGGGGAAGTAGAGG[3] (NM_000328.3); c.1602+4392GAGGGGAAGTAGAGG[3] (NM_001367248.1).
Identifiers: ClinVar variation 2150085 (VCV002150085.4), dbSNP rs777850798, ClinGen allele CA2424844788.